The following is an entry in ClinVar:

NM_001161403.3(LIMS2):c.602G>A (p.Cys201Tyr)

Gene: LIMS2 (LIM zinc finger domain containing 2; minus strand). Cytogenetic location: 2q14.3.
Variant type: single nucleotide variant.
Coding change: c.602G>A on transcript NM_001161403.3 (MANE Select); coding-DNA position 602, G replaced by A.
Protein change: p.Cys201Tyr; replaces cysteine 201 with tyrosine.
Molecular consequence: missense variant.
Genome position (GRCh38, 1-based): chr2:127,642,107, C>T on the plus strand (G>A on the coding strand, the complement: LIMS2 is on the minus strand). VCF-style: chr2-127642107-C-T. GRCh37 (hg19) VCF-style: chr2-128399682-C-T.
Other names: c.668G>A, p.Cys223Tyr (NM_001136037.4); c.587G>A, p.Cys196Tyr (NM_001161404.2); c.146G>A, p.Cys49Tyr (NM_001256542.2); c.674G>A, p.Cys225Tyr (NM_017980.5); c.674G>A (NM_017980.4); short protein forms C223Y, C196Y, C201Y, C225Y, C49Y.
Identifiers: ClinVar variation 1462337 (VCV001462337.7), dbSNP rs112682507, ClinGen allele CA55427077.
Genomic context (GRCh38, chr2:127,642,107, plus strand): 5'-ACCTCCACGTGCCACTGCTTGCCCAGCGCGTTGACCACTCGGCCCTCGATGGGCCGGCGG[C>T]AGGCCCCGCAGATGGGGACGCCCATCTTGTCATGGCAGGGCAGGCAGTAGAGCTCACCCT-3'
Protein context (NP_001154875.1, residues 191-211): DKMGVPICGA[Cys201Tyr]RRPIEGRVVN

ClinVar aggregate classification (germline): Uncertain significance. Review status: criteria provided, multiple submitters, no conflicts (2 of 4 stars). 2 submissions from 2 submitters: Uncertain significance (2). Last evaluated 2025-10-22.

Conditions:
Autosomal recessive limb-girdle muscular dystrophy type 2W (MDRCMTT). Also called: Muscular dystrophy, limb-girdle, type 2W; Muscular dystrophy, autosomal recessive, with cardiomyopathy and triangular tongue. Identifiers: MedGen C4225192, MONDO:0014788, OMIM 616827.

Allele frequency attached by ClinVar (database versions not stated): TOPMed below 0.00001.

Submissions (2):

Labcorp Genetics (formerly Invitae), Labcorp
Classification: Uncertain significance for Autosomal recessive limb-girdle muscular dystrophy type 2W. Last evaluated: 2025-10-22. Review status: criteria provided, single submitter. Criteria: Invitae Variant Classification Sherloc (09022015). Collection method: clinical testing. Allele origin: germline.
Comment: This sequence change replaces cysteine, which is neutral and slightly polar, with tyrosine, which is neutral and polar, at codon 223 of the LIMS2 protein (p.Cys223Tyr). This variant is not present in population databases (gnomAD no frequency). This variant has not been reported in the literature in individuals affected with LIMS2-related conditions. ClinVar contains an entry for this variant (Variation ID: 1462337). Invitae Evidence Modeling of protein sequence and biophysical properties (such as structural, functional, and spatial information, amino acid conservation, physicochemical variation, residue mobility, and thermodynamic stability) indicates that this missense variant is expected to disrupt LIMS2 protein function with a positive predictive value of 80%. In summary, the available evidence is currently insufficient to determine the role of this variant in disease. Therefore, it has been classified as a Variant of Uncertain Significance.

Ambry Genetics
Classification: Uncertain significance. Last evaluated: 2025-04-11. Review status: criteria provided, single submitter. Criteria: Ambry Variant Classification Scheme 2023. Collection method: clinical testing. Allele origin: germline.